The following is an entry in ClinVar:

NM_000059.4(BRCA2):c.68-3T>G

Gene: BRCA2 (BRCA2 DNA repair associated; plus strand). Cytogenetic location: 13q13.1.
Variant type: single nucleotide variant.
Coding change: c.68-3T>G on transcript NM_000059.4 (MANE Select); 3 bases into the intron before coding-DNA position 68, T replaced by G.
Molecular consequence: intron variant.
Genome position (GRCh38, 1-based): chr13:32,319,074, T>G. VCF-style: chr13-32319074-T-G. GRCh37 (hg19) VCF-style: chr13-32893211-T-G.
Identifiers: ClinVar variation 184893 (VCV000184893.32), dbSNP rs786201770, ClinGen allele CA024484.

ClinVar aggregate classification (germline): Conflicting classifications of pathogenicity. Review status: criteria provided, conflicting classifications (1 of 4 stars). 10 submissions from 10 submitters: Uncertain significance (7); Likely benign (2). 1 of the submissions does not count toward it. Last evaluated 2025-09-02.

Conditions:
Hereditary cancer-predisposing syndrome. Also called: Tumor predisposition; Hereditary Cancer Syndrome; Hereditary neoplastic syndrome; Neoplastic Syndromes, Hereditary. Identifiers: Orphanet 140162, MedGen C0027672, MeSH D009386, MONDO:0015356.
Hereditary breast ovarian cancer syndrome. Also called: Breast and ovarian cancer; Hereditary breast and ovarian cancer syndrome; Hereditary breast and ovarian cancer; BRCA1- and BRCA2-Associated Hereditary Breast and Ovarian Cancer; Hereditary breast and ovarian cancer syndrome (HBOC); Hereditary breast and/or ovarian cancer syndrome. Identifiers: Orphanet 145, MedGen C0677776, MeSH D061325, MONDO:0003582. Disease mechanism: loss of function.
Breast-ovarian cancer, familial, susceptibility to, 2 (BROVCA2). Also called: BRCA2 Hereditary Breast and Ovarian Cancer. Identifiers: Orphanet 145, MedGen C2675520, MONDO:0012933, OMIM 612555. Disease mechanism: loss of function.
Familial cancer of breast. Also called: BREAST CANCER, FAMILIAL; hereditary breast carcinoma; Hereditary breast cancer. Identifiers: Orphanet 227535, MedGen C0346153, MONDO:0016419, OMIM 114480. Disease mechanism: loss of function.
Malignant tumor of breast. Also called: Cancer breast; Malignant breast neoplasm. Identifiers: MedGen C0006142, MONDO:0007254. Disease mechanism: loss of function.

Allele frequency attached by ClinVar (database versions not stated): gnomAD exomes 0.00002 and 0.00006; TOPMed 0.00008; gnomAD 0.00012 and 0.00013.
gnomAD v4.1: 32 of 1,611,944 alleles (0.002%); highest among the groups gnomAD compares: Admixed American, 0.053%; no homozygotes.

Submissions (10):

Labcorp Genetics (formerly Invitae), Labcorp
Classification: Uncertain significance for Hereditary breast ovarian cancer syndrome. Last evaluated: 2025-09-02. Review status: criteria provided, single submitter. Criteria: Invitae Variant Classification Sherloc (09022015). Collection method: clinical testing. Allele origin: germline.
Comment: This sequence change falls in intron 2 of the BRCA2 gene. It does not directly change the encoded amino acid sequence of the BRCA2 protein. It affects a nucleotide within the consensus splice site. This variant is present in population databases (rs786201770, gnomAD 0.05%). This variant has not been reported in the literature in individuals affected with BRCA2-related conditions. ClinVar contains an entry for this variant (Variation ID: 184893). Variants that disrupt the consensus splice site are a relatively common cause of aberrant splicing (PMID: 17576681, 9536098). Studies have shown that this variant is associated with inconclusive levels of altered splicing (PMID: 33469799, 35979650). In summary, the available evidence is currently insufficient to determine the role of this variant in disease. Therefore, it has been classified as a Variant of Uncertain Significance.

Women's Health and Genetics/Laboratory Corporation of America, LabCorp
Classification: Uncertain significance. Last evaluated: 2025-08-29. Review status: criteria provided, single submitter. Criteria: LabCorp Variant Classification Summary - May 2015. Collection method: clinical testing. Allele origin: germline.
Comment: Variant summary: BRCA2 c.68-3T>G alters a conserved nucleotide located close to a canonical splice site and therefore could affect mRNA splicing, leading to a significantly altered protein sequence. Several computational tools predict a significant impact on normal splicing: two predict the variant abolishes a 3' acceptor site, and three predict the variant creates a 3' acceptor site. Publications report experimental evidence supporting these predictions, finding that the variant leads to aberrant splicing (e.g., Machackova_2019, Nix_2022, Thomassen_2022). The variant allele was found at a frequency of 6.4e-05 in 248470 control chromosomes (gnomAD). This frequency is not significantly higher than estimated for disease-causing variants in BRCA2, allowing no conclusion about variant significance. c.68-3T>G has been observed in individuals undergoing testing for Hereditary Breast And Ovarian Cancer Syndrome (e.g., Neveling_2017, Machackova_2019, Nix_2022). These reports do not provide unequivocal conclusions about association of the variant with Hereditary Breast And Ovarian Cancer Syndrome. At least one study reports experimental evidence demonstrating an impact on protein function, finding that the variant results in 50% viability in a mouse embryonic stem cell-based viability assay and also results in 90% HDR activity relative to wild type (e.g., Thomassen_2022). The following publications have been ascertained in the context of this evaluation (PMID: 31409081, 27974384, 33469799, 32641407). ClinVar contains an entry for this variant (Variation ID: 184893). Based on the evidence outlined above, the variant was classified as uncertain significance.

Ambry Genetics
Classification: Uncertain significance for Hereditary cancer-predisposing syndrome. Last evaluated: 2025-08-01. Review status: criteria provided, single submitter. Criteria: Ambry Variant Classification Scheme 2023. Collection method: clinical testing. Allele origin: germline.
Comment: The c.68-3T>G intronic variant results from a T to G substitution 3 nucleotides upstream from coding exon 2 in the BRCA2 gene. This nucleotide position is poorly conserved in available vertebrate species. In silico splice site analysis predicts that this alteration will weaken the native splice acceptor site and will result in the creation or strengthening of a novel splice acceptor site. RNA studies have demonstrated that this alteration results in multiple abnormal splicing events in the set of samples tested (Ambry internal data) including a splice variant which results in a frameshift variant as well as one that results in skipping of coding exon 2 (also known as exon 3 in the literature). The loss of coding exon 2 is strongly associated with hereditary breast and ovarian cancer phenotype based on multifactorial analysis (Caputo SM et al. Oncotarget, 2018 Apr;9:17334-17348). However, downstream functional studies showed that this alteration was able to rescue the growth defect in BRCA2-null mouse embryonic stem cells and that these surviving cells maintained partial activity in a homology directed DNA repair assay (personal communication). This alteration is also identified in patients who collectively have a phenotype that is not consistent with a high risk BRCA2 pathogenic variant (Nix P et al. Fam Cancer, 2021 Jan). Based on data from gnomAD, the frequency for this variant is above the maximum credible frequency for a disease-causing variant in this gene based on internally established thresholds (Karczewski et al. Nature. 2020 May;581(7809):434-443; Whiffin et al. Genet Med. 2017 10;19:1151-1158). Since supporting evidence is conflicting at this time, the clinical significance of this alteration remains unclear. It cannot yet be ruled out that this variant may be hypomorphic and present with reduced risks and/or biallelic phenotype.

Color Diagnostics, LLC DBA Color Health
Classification: Likely benign for Hereditary cancer-predisposing syndrome. Last evaluated: 2025-06-25. Review status: criteria provided, single submitter. Criteria: ACMG Guidelines, 2015. Collection method: clinical testing. Allele origin: germline.

Myriad Genetics, Inc.
Classification: Likely benign for Breast-ovarian cancer, familial, susceptibility to, 2. Last evaluated: 2024-09-26. Review status: criteria provided, single submitter. Criteria: Myriad Autosomal Dominant, Autosomal Recessive and X-Linked Classification Criteria (2023). Collection method: clinical testing. Allele origin: unknown.
Comment: This variant is considered likely benign. This variant is intronic and is not expected to impact mRNA splicing. This variant is strongly associated with less severe personal and family histories of cancer, typical for individuals without pathogenic variants in this gene [PMID: 25085752].

Baylor Genetics
Classification: Uncertain significance for Familial cancer of breast. Last evaluated: 2024-01-26. Review status: criteria provided, single submitter. Criteria: ACMG Guidelines, 2015. Collection method: clinical testing. Allele origin: unknown.

All of Us Research Program, National Institutes of Health
Classification: Uncertain significance for Breast-ovarian cancer, familial, susceptibility to, 2. Last evaluated: 2023-09-05. Review status: criteria provided, single submitter. Criteria: ACMG Guidelines, 2015. Collection method: clinical testing. Allele origin: germline. Inheritance: Autosomal dominant inheritance. Observed: 1 variant allele, 1 heterozygote.
Comment: This study involves interpretation of variants in research participants for the purpose of population health screening. Participant phenotype was not available at the time of variant classification. Additional details can be found in publication PMID: 35346344, PMCID: PMC8962531

GeneDx
Classification: Uncertain significance. Last evaluated: 2023-06-09. Review status: criteria provided, single submitter. Criteria: GeneDx Variant Classification Process June 2021. Collection method: clinical testing. Allele origin: germline. Affected: yes.
Comment: Published functional studies demonstrate homology-directed repair activity comparable to wildtype (Thomassen et al., 2022); In silico analysis supports a deleterious effect on splicing; History-weighting algorithm of multiple carriers suggests this variant is not pathogenic (Nix et al., 2021); Also known as 296-3T>G; This variant is associated with the following publications: (PMID: 27974384, 27060066, 29707112, 35979650, 33469799)

Quest Diagnostics Nichols Institute San Juan Capistrano
Classification: Uncertain significance. Last evaluated: 2022-10-17. Review status: criteria provided, single submitter. Criteria: Quest Diagnostics criteria. Collection method: clinical testing. Allele origin: unknown.
Comment: The frequency of this variant in the general population, 0.00047 (16/34390 chromosomes in Latino/Admixed American subpopulation), is higher than would generally be expected for pathogenic variants in this gene. To the best of our knowledge, the variant has not been reported in the published literature in individuals with BRCA2-associated cancers. Experimental studies have concluded that this variant results in aberrant splicing with partially retained viability and homology directed repair functions in mouse embryonic stem cells (PMID: 33469799 (2021) and 35979650 (2022)). Analysis of this variant using software algorithms for the prediction of the effect of nucleotide changes on BRCA2 mRNA splicing yielded inconclusive findings. In addition, some algorithms predict that this variant may result in the gain of a cryptic splice site . Based on the available information, we are unable to determine the clinical significance of this variant.

Department of Pathology and Laboratory Medicine, Sinai Health System
Classification: Uncertain significance for Malignant tumor of breast. Review status: no assertion criteria provided. Collection method: clinical testing. Allele origin: unknown. Affected: yes. Study: The Canadian Open Genetics Repository (COGR). Not counted in ClinVar's aggregate classification.
Comment: The BRCA2 c.68-3T>G variant was identified in 1 of 304 proband chromosomes (frequency: 0.004) from individuals or families with breast cancer (Neveling 2017). The variant was identified in dbSNP (rs786201770) as â€šÃ„Ãºwith uncertain significance alleleâ€šÃ„Ã¹ and ClinVar (classified as uncertain significance by Invitae, Ambry Genetics and Integrated Genetics). The variant was not identified in LOVD 3.0 and UMD-LSDB. The variant was identified in control databases in 16 of 248,470 chromosomes at a frequency of 0.00006 (Genome Aggregation Database Feb 27, 2017). The variant was observed in the Latino population in 16 of 34,390 chromosomes (freq: 0.0005); it was not observed in the African, Ashkenazi Jewish, East Asian, Finnish, European, Other or South Asian populations. The c.68-3T>G variant is located in the 3' splice region but does not affect the invariant -1 and -2 positions. However, positions -3 and -5 to -12 are part of the splicing consensus sequence and variants involving these positions sometimes affect splicing. In addition, 3 of 4 in silico or computational prediction software programs (SpliceSiteFinder, MaxEntScan, NNSPLICE, GeneSplicer) predict a greater than 10% difference in splicing. In summary, based on the above information, the clinical significance of this variant cannot be determined with certainty at this time. This variant is classified as a variant of uncertain significance.

Literature cited by the submitters: PubMed 17576681 (cited by Labcorp Genetics (formerly Invitae), Labcorp); PubMed 9536098 (cited by Labcorp Genetics (formerly Invitae), Labcorp); PubMed 33469799 (cited by 3 submitters); PubMed 35979650 (cited by Labcorp Genetics (formerly Invitae), Labcorp and Quest Diagnostics Nichols Institute San Juan Capistrano); PubMed 27974384 (cited by Women's Health and Genetics/Laboratory Corporation of America, LabCorp); PubMed 31409081 (cited by Women's Health and Genetics/Laboratory Corporation of America, LabCorp); PubMed 32641407 (cited by Women's Health and Genetics/Laboratory Corporation of America, LabCorp); PubMed 27060066 (cited by Ambry Genetics); PubMed 29707112 (cited by Ambry Genetics); PubMed 25085752 (cited by Myriad Genetics, Inc.).